The following is an entry in ClinVar:

NM_000381.4(MID1):c.1890C>G (p.Asp630Glu)

Genes: MID1 (midline 1; minus strand), LOC126863207 (BRD4-independent group 4 enhancer GRCh37_chrX:10416979-10418178; plus strand). Cytogenetic location: Xp22.2.
Variant type: single nucleotide variant.
Coding change: c.1890C>G on transcript NM_000381.4 (MANE Select); coding-DNA position 1890, C replaced by G.
Protein change: p.Asp630Glu; replaces aspartic acid 630 with glutamic acid.
Molecular consequence: missense variant.
Genome position (GRCh38, 1-based): chrX:10,449,482, G>C on the plus strand (C>G on the coding strand, the complement: MID1 is on the minus strand). VCF-style: chrX-10449482-G-C. GRCh37 (hg19) VCF-style: chrX-10417522-G-C.
Other names: c.1890C>G, p.Asp630Glu (NM_001098624.2, NM_001193277.1, NM_001347733.2 and 1 more transcripts); c.1776C>G, p.Asp592Glu (NM_033289.2); short protein forms D592E, D630E.
Identifiers: ClinVar variation 2853989 (VCV002853989.3), dbSNP rs1388555666, ClinGen allele CA412049928.

ClinVar aggregate classification (germline): Uncertain significance (1 of 4 stars; one submission).

Submission:

Labcorp Genetics (formerly Invitae), Labcorp
Classification: Uncertain significance. Last evaluated: 2023-04-09. Review status: criteria provided, single submitter. Criteria: Invitae Variant Classification Sherloc (09022015). Collection method: clinical testing. Allele origin: germline.
Comment: This variant is not present in population databases (gnomAD no frequency). In summary, the available evidence is currently insufficient to determine the role of this variant in disease. Therefore, it has been classified as a Variant of Uncertain Significance. Advanced modeling of protein sequence and biophysical properties (such as structural, functional, and spatial information, amino acid conservation, physicochemical variation, residue mobility, and thermodynamic stability) performed at Invitae indicates that this missense variant is not expected to disrupt MID1 protein function. This variant has not been reported in the literature in individuals affected with MID1-related conditions. This sequence change replaces aspartic acid, which is acidic and polar, with glutamic acid, which is acidic and polar, at codon 630 of the MID1 protein (p.Asp630Glu).